The following is an entry in ClinVar:

ClinVar aggregate classification (germline): Uncertain significance. Review status: criteria provided, multiple submitters, no conflicts (2 of 4 stars). 2 submissions from 2 submitters: Uncertain significance (2). Last evaluated 2025-01-22.

Conditions:
Neuroblastoma, susceptibility to, 3. Also called: ALK-Related Neuroblastic Tumor Susceptibility. Identifiers: Orphanet 635, MedGen C2751681, MONDO:0013083, OMIM 613014.
Hereditary cancer-predisposing syndrome. Also called: Hereditary neoplastic syndrome; Neoplastic Syndromes, Hereditary; Tumor predisposition; Hereditary Cancer Syndrome. Identifiers: Orphanet 140162, MedGen C0027672, MeSH D009386, MONDO:0015356.

Allele frequency attached by ClinVar (database versions not stated): TOPMed below 0.00001.

Submissions (2):

Labcorp Genetics (formerly Invitae), Labcorp
Classification: Uncertain significance for Neuroblastoma, susceptibility to, 3. Last evaluated: 2025-01-22. Review status: criteria provided, single submitter. Criteria: Invitae Variant Classification Sherloc (09022015). Collection method: clinical testing. Allele origin: germline.
Comment: This sequence change replaces threonine, which is neutral and polar, with isoleucine, which is neutral and non-polar, at codon 242 of the ALK protein (p.Thr242Ile). This variant is not present in population databases (gnomAD no frequency). This variant has not been reported in the literature in individuals affected with ALK-related conditions. ClinVar contains an entry for this variant (Variation ID: 1002998). An algorithm developed to predict the effect of missense changes on protein structure and function outputs the following: PolyPhen-2: "Benign". The isoleucine amino acid residue is found in multiple mammalian species, which suggests that this missense change does not adversely affect protein function. In summary, the available evidence is currently insufficient to determine the role of this variant in disease. Therefore, it has been classified as a Variant of Uncertain Significance.

Ambry Genetics
Classification: Uncertain significance for Hereditary cancer-predisposing syndrome. Last evaluated: 2024-07-09. Review status: criteria provided, single submitter. Criteria: Ambry Variant Classification Scheme 2023. Collection method: clinical testing. Allele origin: germline.
Comment: The p.T242I variant (also known as c.725C>T), located in coding exon 2 of the ALK gene, results from a C to T substitution at nucleotide position 725. The threonine at codon 242 is replaced by isoleucine, an amino acid with similar properties. This amino acid position is conserved. In addition, this alteration is predicted to be tolerated by in silico analysis. Based on the available evidence, the clinical significance of this variant remains unclear.

NM_004304.5(ALK):c.725C>T (p.Thr242Ile)

Gene: ALK (ALK receptor tyrosine kinase; minus strand). Cytogenetic location: 2p23.2.
Variant type: single nucleotide variant.
Coding change: c.725C>T on transcript NM_004304.5 (MANE Select); coding-DNA position 725, C replaced by T.
Protein change: p.Thr242Ile; replaces threonine 242 with isoleucine.
Molecular consequence: missense variant.
Genome position (GRCh38, 1-based): chr2:29,717,640, G>A on the plus strand (C>T on the coding strand, the complement: ALK is on the minus strand). VCF-style: chr2-29717640-G-A. GRCh37 (hg19) VCF-style: chr2-29940506-G-A.
Other names: c.725C>T (NM_004304.4); short protein forms T242I.
Identifiers: ClinVar variation 1002998 (VCV001002998.9), dbSNP rs1679301106, ClinGen allele CA346587739.